The following is an entry in ClinVar:

ClinVar aggregate classification (germline): Uncertain significance (1 of 4 stars; one submission).

gnomAD v4.1: 1 of 1,614,026 alleles (0.000062%); highest among the groups gnomAD compares: Non-Finnish European, 0.000085%; no homozygotes.

Submission:

Labcorp Genetics (formerly Invitae), Labcorp
Classification: Uncertain significance. Last evaluated: 2025-12-01. Review status: criteria provided, single submitter. Criteria: Invitae Variant Classification Sherloc (09022015). Collection method: clinical testing. Allele origin: germline.
Comment: This sequence change replaces asparagine, which is neutral and polar, with serine, which is neutral and polar, at codon 253 of the ACVR1 protein (p.Asn253Ser). This variant is not present in population databases (gnomAD no frequency). This variant has not been reported in the literature in individuals affected with ACVR1-related conditions. An algorithm developed to predict the effect of missense changes on protein structure and function (PolyPhen-2) suggests that this variant is likely to be tolerated. In summary, the available evidence is currently insufficient to determine the role of this variant in disease. Therefore, it has been classified as a Variant of Uncertain Significance.

NM_001111067.4(ACVR1):c.758A>G (p.Asn253Ser)

Gene: ACVR1 (activin A receptor type 1; minus strand). Cytogenetic location: 2q24.1.
Variant type: single nucleotide variant.
Coding change: c.758A>G on transcript NM_001111067.4 (MANE Select); coding-DNA position 758, A replaced by G.
Protein change: p.Asn253Ser; replaces asparagine 253 with serine.
Molecular consequence: missense variant.
Genome position (GRCh38, 1-based): chr2:157,770,400, T>C on the plus strand (A>G on the coding strand, the complement: ACVR1 is on the minus strand). VCF-style: chr2-157770400-T-C. GRCh37 (hg19) VCF-style: chr2-158626912-T-C.
Other names: c.758A>G, p.Asn253Ser (NM_001105.5, NM_001347663.1, NM_001347664.1 and 3 more transcripts); short protein forms N253S.
Identifiers: ClinVar variation 4812056 (VCV004812056.1).